The following is an entry in ClinVar:

ClinVar aggregate classification (germline): Uncertain significance (1 of 4 stars; one submission).

Conditions:
Atrial fibrillation, familial, 7 (ATFB7). Identifiers: MedGen C2677106, MONDO:0012828, OMIM 612240.

Submission:

Labcorp Genetics (formerly Invitae), Labcorp
Classification: Uncertain significance for Atrial fibrillation, familial, 7. Last evaluated: 2025-10-06. Review status: criteria provided, single submitter. Criteria: Invitae Variant Classification Sherloc (09022015). Collection method: clinical testing. Allele origin: germline.
Comment: This sequence change replaces glutamine, which is neutral and polar, with histidine, which is basic and polar, at codon 388 of the KCNA5 protein (p.Gln388His). This variant is not present in population databases (gnomAD no frequency). This variant has not been reported in the literature in individuals affected with KCNA5-related conditions. An algorithm developed to predict the effect of missense changes on protein structure and function (PolyPhen-2) suggests that this variant is likely to be disruptive. In summary, the available evidence is currently insufficient to determine the role of this variant in disease. Therefore, it has been classified as a Variant of Uncertain Significance.

NM_002234.4(KCNA5):c.1164G>T (p.Gln388His)

Gene: KCNA5 (potassium voltage-gated channel subfamily A member 5; plus strand). Cytogenetic location: 12p13.32.
Variant type: single nucleotide variant.
Coding change: c.1164G>T on transcript NM_002234.4 (MANE Select); coding-DNA position 1164, G replaced by T.
Protein change: p.Gln388His; replaces glutamine 388 with histidine.
Molecular consequence: missense variant.
Genome position (GRCh38, 1-based): chr12:5,045,311, G>T. VCF-style: chr12-5045311-G-T. GRCh37 (hg19) VCF-style: chr12-5154477-G-T.
Other names: short protein forms Q388H.
Identifiers: ClinVar variation 4723664 (VCV004723664.1).
Genomic context (GRCh38, chr12:5,045,311, plus strand): 5'-CTTCATCACCCTGGGCACCGAACTGGCAGAGCAGCAGCCAGGGGGTGGAGGAGGCGGCCA[G>T]AATGGGCAGCAGGCCATGTCCCTGGCCATCCTCCGAGTCATCCGCCTGGTCCGGGTGTTC-3'
Protein context (NP_002225.2, residues 378-398): EQQPGGGGGG[Gln388His]NGQQAMSLAI